The following is an entry in ClinVar:

NM_000219.6(KCNE1):c.192C>T (p.Ser64=)

Gene: KCNE1 (potassium voltage-gated channel subfamily E regulatory subunit 1; minus strand). Cytogenetic location: 21q22.12.
Variant type: single nucleotide variant.
Coding change: c.192C>T on transcript NM_000219.6 (MANE Select); coding-DNA position 192, C replaced by T.
Protein change: p.Ser64=; no amino-acid change (serine 64 retained).
Molecular consequence: synonymous variant.
Genome position (GRCh38, 1-based): chr21:34,449,443, G>A on the plus strand (C>T on the coding strand, the complement: KCNE1 is on the minus strand). VCF-style: chr21-34449443-G-A. GRCh37 (hg19) VCF-style: chr21-35821741-G-A.
Other names: c.192C>T, p.Ser64= (NM_001127668.4, NM_001127669.4, NM_001127670.4 and 4 more transcripts).
Identifiers: ClinVar variation 3374293 (VCV003374293.2).

Conditions:
Long QT syndrome 5 (LQT5). Identifiers: Orphanet 101016, Orphanet 768, MedGen C1867904, MONDO:0013372, OMIM 613695.

Submission:

Roden Lab, Vanderbilt University Medical Center
No classification provided (evidence only). Condition: Long QT syndrome 5. Review status: no classification provided. Collection method: in vitro. Allele origin: not applicable. Functional consequence: Effect on ion channel function.
ClinVar note: "not provided" was previously submitted as the classification for the variant. However, the classification appeared to be based only on an observation of functional data so it was converted to no classification on 2025-07-30.